The following is an entry in ClinVar:

ClinVar aggregate classification (germline): Benign/Likely benign. Review status: criteria provided, multiple submitters, no conflicts (2 of 4 stars). 7 submissions from 7 submitters: Benign (1); Likely benign (4). 2 of the submissions do not count toward it. Last evaluated 2025-12-22.

Conditions:
Familial cancer of breast. Also called: BREAST CANCER, FAMILIAL; Hereditary breast cancer; hereditary breast carcinoma. Identifiers: Orphanet 227535, MedGen C0346153, MONDO:0016419, OMIM 114480. Disease mechanism: loss of function.
Hereditary cancer-predisposing syndrome. Also called: Hereditary neoplastic syndrome; Neoplastic Syndromes, Hereditary; Tumor predisposition; Hereditary Cancer Syndrome. Identifiers: Orphanet 140162, MedGen C0027672, MeSH D009386, MONDO:0015356.
Fanconi anemia complementation group J. Also called: BRIP1-Related Fanconi Anemia. Identifiers: Orphanet 84, MedGen C1836860, MONDO:0012187, OMIM 609054.

Allele frequency attached by ClinVar (database versions not stated): gnomAD exomes below 0.00001 and 0.00001; ExAC 0.00001; gnomAD 0.00001; ESP Exome Variant Server 0.00008.
gnomAD v4.1: 10 of 1,611,878 alleles (0.00062%); highest among the groups gnomAD compares: Non-Finnish European, 0.00076%; no homozygotes.

Submissions (7):

Labcorp Genetics (formerly Invitae), Labcorp
Classification: Likely benign for Familial cancer of breast; Fanconi anemia complementation group J. Last evaluated: 2025-12-22. Review status: criteria provided, single submitter. Criteria: Invitae Variant Classification Sherloc (09022015). Collection method: clinical testing. Allele origin: germline.

Myriad Genetics, Inc.
Classification: Benign for Familial cancer of breast. Last evaluated: 2024-09-10. Review status: criteria provided, single submitter. Criteria: Myriad Autosomal Dominant, Autosomal Recessive and X-Linked Classification Criteria (2023). Collection method: clinical testing. Allele origin: unknown.
Comment: This variant is considered benign. This variant is a silent/synonymous amino acid change and it is not expected to impact splicing.

Color Diagnostics, LLC DBA Color Health
Classification: Likely benign for Hereditary cancer-predisposing syndrome. Last evaluated: 2018-12-14. Review status: criteria provided, single submitter. Criteria: ACMG Guidelines, 2015. Collection method: clinical testing. Allele origin: germline.

GeneDx
Classification: Likely benign. Last evaluated: 2017-08-06. Review status: criteria provided, single submitter. Criteria: GeneDx Variant Classification (06012015). Collection method: clinical testing. Allele origin: germline. Affected: yes.
Comment: This variant is considered likely benign or benign based on one or more of the following criteria: it is a conservative change, it occurs at a poorly conserved position in the protein, it is predicted to be benign by multiple in silico algorithms, and/or has population frequency not consistent with disease.

Ambry Genetics
Classification: Likely benign for Hereditary cancer-predisposing syndrome. Last evaluated: 2016-05-20. Review status: criteria provided, single submitter. Criteria: Ambry Variant Classification Scheme 2023. Collection method: clinical testing. Allele origin: germline.

Clinical Genetics DNA and cytogenetics Diagnostics Lab, Erasmus MC, Erasmus Medical Center
Classification: Likely benign. Review status: no assertion criteria provided. Collection method: clinical testing. Allele origin: germline. Affected: yes. Study: VKGL Data-share Consensus. Not counted in ClinVar's aggregate classification.

Joint Genome Diagnostic Labs from Nijmegen and Maastricht, Radboudumc and MUMC+
Classification: Likely benign. Review status: no assertion criteria provided. Collection method: clinical testing. Allele origin: germline. Affected: yes. Study: VKGL Data-share Consensus. Not counted in ClinVar's aggregate classification.

NM_032043.3(BRIP1):c.3681T>C (p.His1227=)

Gene: BRIP1 (BRCA1 interacting DNA helicase 1; minus strand). Cytogenetic location: 17q23.2.
Variant type: single nucleotide variant.
Coding change: c.3681T>C on transcript NM_032043.3 (MANE Select); coding-DNA position 3681, T replaced by C.
Protein change: p.His1227=; no amino-acid change (histidine 1227 retained).
Molecular consequence: synonymous variant.
Genome position (GRCh38, 1-based): chr17:61,683,365, A>G on the plus strand (T>C on the coding strand, the complement: BRIP1 is on the minus strand). VCF-style: chr17-61683365-A-G. GRCh37 (hg19) VCF-style: chr17-59760726-A-G.
Identifiers: ClinVar variation 485449 (VCV000485449.23), dbSNP rs370581038, ClinGen allele CA8690338.